The following is an entry in ClinVar:

ClinVar aggregate classification (germline): Uncertain significance (1 of 4 stars; one submission).

Allele frequency attached by ClinVar (database versions not stated): gnomAD 0.00001 and 0.00002.

Submission:

Labcorp Genetics (formerly Invitae), Labcorp
Classification: Uncertain significance. Last evaluated: 2022-07-05. Review status: criteria provided, single submitter. Criteria: Invitae Variant Classification Sherloc (09022015). Collection method: clinical testing. Allele origin: germline.
Comment: ClinVar contains an entry for this variant (Variation ID: 1388122). In summary, the available evidence is currently insufficient to determine the role of this variant in disease. Therefore, it has been classified as a Variant of Uncertain Significance. Experimental studies and prediction algorithms are not available or were not evaluated, and the functional significance of this variant is currently unknown. This variant has not been reported in the literature in individuals affected with PTPN23-related conditions. This variant is not present in population databases (gnomAD no frequency). This variant, c.2855_2860dup, results in the insertion of 2 amino acid(s) of the PTPN23 protein (p.Pro953_Gln954insArgPro), but otherwise preserves the integrity of the reading frame.

NM_015466.4(PTPN23):c.2855_2860dup (p.Pro953_Gln954insArgPro)

Gene: PTPN23 (protein tyrosine phosphatase non-receptor type 23; plus strand). Cytogenetic location: 3p21.31.
Variant type: Duplication.
Coding change: c.2855_2860dup on transcript NM_015466.4 (MANE Select); coding-DNA positions 2855 to 2860, 6 bases duplicated (GGCCCC; older notation c.2855_2860dupGGCCCC).
Protein change: p.Pro953_Gln954insArgPro.
Molecular consequence: inframe insertion.
Genome position (GRCh38, 1-based): chr3:47,410,653-47,410,658, GGCCCC duplicated. VCF-style (leftmost placement, unchanged base first): chr3-47410652-G-GGGCCCC. GRCh37 (hg19) VCF-style: chr3-47452142-G-GGGCCCC.
Other names: c.2477_2482dup, p.Pro827_Gln828insArgPro (NM_001304482.2).
Identifiers: ClinVar variation 1388122 (VCV001388122.6), dbSNP rs1705256054, ClinGen allele CA1047570000.
Genomic context (GRCh38, chr3:47,410,652, plus strand): 5'-ATCCCGGCACAGCACCACTTCTCTTCTGGGATCCCCGCAGGTTTTCCAGCCCCAAGGATT[G>GGGCCCC]GGCCCCAGCCCCAGCCCCATCCTCAGCCCCATCCTTCACAAGCGTTTGGGCCTCAGCCCC-3'